The following is an entry in ClinVar:

NM_001365999.1(SZT2):c.9472C>T (p.Arg3158Ter)

Genes: SZT2 (SZT2 subunit of KICSTOR complex; plus strand), SZT2-AS1 (SZT2 antisense RNA 1; minus strand). Cytogenetic location: 1p34.2.
Variant type: single nucleotide variant.
Coding change: c.9472C>T on transcript NM_001365999.1 (MANE Select); coding-DNA position 9472, C replaced by T.
Protein change: p.Arg3158Ter; replaces arginine 3158 with a stop codon.
Molecular consequence: nonsense. On other transcripts: non-coding transcript variant (1).
Genome position (GRCh38, 1-based): chr1:43,447,880, C>T. VCF-style: chr1-43447880-C-T. GRCh37 (hg19) VCF-style: chr1-43913551-C-T.
Other names: c.9301C>T, p.Arg3101Ter (NM_015284.4); short protein forms R3101*, R3158*.
Identifiers: ClinVar variation 5006653 (VCV005006653.2).

ClinVar aggregate classification (germline): Likely pathogenic (1 of 4 stars; one submission).

Conditions:
Developmental and epileptic encephalopathy, 18 (DEE18). Also called: Early infantile epileptic encephalopathy 18. Identifiers: Orphanet 369894, MedGen C3809624, MONDO:0014201, OMIM 615476.

gnomAD v4.1: 3 of 1,614,072 alleles (0.00019%); highest among the groups gnomAD compares: Middle Eastern, 0.016%; no homozygotes.

Submission:

Juno Genomics, Hangzhou Juno Genomics, Inc
Classification: Likely pathogenic for Developmental and epileptic encephalopathy, 18. Review status: criteria provided, single submitter. Criteria: ACMG Guidelines, 2015. Collection method: clinical testing. Allele origin: germline.
Comment: Null variant in a gene where loss of function (LOF) is a known mechanism of disease.;Absent from controls (or at extremely low frequency if recessive) in Genome Aggregation Database.